The following is an entry in ClinVar:

ClinVar aggregate classification (germline): Uncertain significance. Review status: criteria provided, single submitter (1 of 4 stars). 2 submissions from 2 submitters: Uncertain significance (1). 1 of the submissions does not count toward it. Last evaluated 2024-05-02.

Conditions:
CACNA1H-related disorder.
Idiopathic generalized epilepsy. Also called: Generalised epilepsy; EIG. Identifiers: MedGen C0270850, MONDO:0005579, OMIM 600669.
Hyperaldosteronism, familial, type IV (HALD4). Also called: FH IV; ALDOSTERONISM, PRIMARY, AND HYPERTENSION. Identifiers: Orphanet 642671, MedGen C4310756, MONDO:0014875, OMIM 617027.

Submissions (2):

Labcorp Genetics (formerly Invitae), Labcorp
Classification: Uncertain significance for Idiopathic generalized epilepsy; Hyperaldosteronism, familial, type IV. Last evaluated: 2024-05-02. Review status: criteria provided, single submitter. Criteria: Invitae Variant Classification Sherloc (09022015). Collection method: clinical testing. Allele origin: germline.
Comment: This sequence change replaces serine, which is neutral and polar, with phenylalanine, which is neutral and non-polar, at codon 292 of the CACNA1H protein (p.Ser292Phe). This variant is not present in population databases (gnomAD no frequency). This variant has not been reported in the literature in individuals affected with CACNA1H-related conditions. ClinVar contains an entry for this variant (Variation ID: 2187788). Advanced modeling of protein sequence and biophysical properties (such as structural, functional, and spatial information, amino acid conservation, physicochemical variation, residue mobility, and thermodynamic stability) has been performed at Invitae for this missense variant, however the output from this modeling did not meet the statistical confidence thresholds required to predict the impact of this variant on CACNA1H protein function. In summary, the available evidence is currently insufficient to determine the role of this variant in disease. Therefore, it has been classified as a Variant of Uncertain Significance.

PreventionGenetics, part of Exact Sciences
Classification: Uncertain significance for CACNA1H-related condition. Last evaluated: 2024-09-23. Review status: no assertion criteria provided. Collection method: clinical testing. Allele origin: germline. Not counted in ClinVar's aggregate classification.
Comment: The CACNA1H c.875C>T variant is predicted to result in the amino acid substitution p.Ser292Phe. To our knowledge, this variant has not been reported in the literature or in a large population database, indicating this variant is rare. At this time, the clinical significance of this variant is uncertain due to the absence of conclusive functional and genetic evidence.

NM_021098.3(CACNA1H):c.875C>T (p.Ser292Phe)

Gene: CACNA1H (calcium voltage-gated channel subunit alpha1 H; plus strand). Cytogenetic location: 16p13.3.
Variant type: single nucleotide variant.
Coding change: c.875C>T on transcript NM_021098.3 (MANE Select); coding-DNA position 875, C replaced by T.
Protein change: p.Ser292Phe; replaces serine 292 with phenylalanine.
Molecular consequence: missense variant.
Genome position (GRCh38, 1-based): chr16:1,200,327, C>T. VCF-style: chr16-1200327-C-T. GRCh37 (hg19) VCF-style: chr16-1250327-C-T.
Other names: c.875C>T, p.Ser292Phe (NM_001005407.2); c.875C>T (NM_021098.2); short protein forms S292F.
Identifiers: ClinVar variation 2187788 (VCV002187788.5), dbSNP rs2548633015, ClinGen allele CA394156122.
Genomic context (GRCh38, chr16:1,200,327, plus strand): 5'-TGACCTTCCTGCGGCCGTACTACCAGACGGAGGAGGGCGAGGAGAACCCGTTCATCTGCT[C>T]CTCACGCCGAGACAACGGCATGCAGAAGTGCTCGCACATCCCCGGCCGCCGCGAGCTGCG-3'
Protein context (NP_066921.2, residues 282-302): EEGEENPFIC[Ser292Phe]SRRDNGMQKC